The following is an entry in ClinVar:

NM_000045.4(ARG1):c.62G>A (p.Arg21Gln)

Genes: ARG1 (arginase 1; plus strand), MED23 (mediator complex subunit 23; minus strand). Cytogenetic location: 6q23.2.
Variant type: single nucleotide variant.
Coding change: c.62G>A on transcript NM_000045.4 (MANE Select); coding-DNA position 62, G replaced by A.
Protein change: p.Arg21Gln; replaces arginine 21 with glutamine.
Molecular consequence: missense variant. On other transcripts: intron variant (2).
Genome position (GRCh38, 1-based): chr6:131,576,667, G>A. VCF-style: chr6-131576667-G-A. GRCh37 (hg19) VCF-style: chr6-131897807-G-A.
Other names: p.Arg21Gln; c.62G>A, p.Arg21Gln (NM_001244438.2, NM_001369020.1); c.4078-2372C>T (NM_001270521.2); c.4096-2372C>T (NM_015979.4); short protein forms R21Q.
Identifiers: ClinVar variation 517018 (VCV000517018.13), dbSNP rs144994895, ClinGen allele CA3999166.

ClinVar aggregate classification (germline): Conflicting classifications of pathogenicity. Review status: criteria provided, conflicting classifications (1 of 4 stars). 5 submissions from 5 submitters: Uncertain significance (3); Benign (1); Likely benign (1). Last evaluated 2024-11-22.

Conditions:
Arginase deficiency. Also called: ARGININEMIA; ARG1 DEFICIENCY; Arginase 1 Deficiency. Identifiers: Orphanet 90, MedGen C0268548, MONDO:0008814, OMIM 207800.

Allele frequency attached by ClinVar (database versions not stated): gnomAD 0.00085 and 0.00087; 1000 Genomes Project 30x 0.00016; ESP Exome Variant Server 0.00085; gnomAD exomes 0.00131 and 0.00084; 1000 Genomes Project 0.00020; TOPMed 0.00071; ExAC 0.00073.
gnomAD v4.1: 2,042 of 1,613,738 alleles (0.13%); highest among the groups gnomAD compares: Non-Finnish European, 0.16%; 3 homozygotes.

Submissions (8):

Blueprint Genetics
Classification: Uncertain significance. Last evaluated: 2024-11-22. Review status: criteria provided, single submitter. Criteria: ACMG Guidelines, 2015. Collection method: clinical testing. Allele origin: germline.

Mayo Clinic Laboratories, Mayo Clinic
Classification: Benign. Last evaluated: 2024-07-26. Review status: criteria provided, single submitter. Criteria: ACMG Guidelines, 2015. Collection method: clinical testing. Allele origin: germline. Observed: 2 variant alleles.
Comment: BS1, BS2

Labcorp Genetics (formerly Invitae), Labcorp
Classification: Uncertain significance for Arginase deficiency. Last evaluated: 2022-10-17. Review status: criteria provided, single submitter. Criteria: Invitae Variant Classification Sherloc (09022015). Collection method: clinical testing. Allele origin: germline.
Comment: This sequence change replaces arginine, which is basic and polar, with glutamine, which is neutral and polar, at codon 21 of the ARG1 protein (p.Arg21Gln). This variant is present in population databases (rs144994895, gnomAD 0.1%), and has an allele count higher than expected for a pathogenic variant. This variant has not been reported in the literature in individuals affected with ARG1-related conditions. ClinVar contains an entry for this variant (Variation ID: 517018). Advanced modeling of protein sequence and biophysical properties (such as structural, functional, and spatial information, amino acid conservation, physicochemical variation, residue mobility, and thermodynamic stability) performed at Invitae indicates that this missense variant is not expected to disrupt ARG1 protein function. In summary, the available evidence is currently insufficient to determine the role of this variant in disease. Therefore, it has been classified as a Variant of Uncertain Significance.

GeneDx
Classification: Likely benign. Last evaluated: 2021-05-24. Review status: criteria provided, single submitter. Criteria: GeneDx Variant Classification Process June 2021. Collection method: clinical testing. Allele origin: germline. Affected: yes.
Comment: This variant is associated with the following publications: (PMID: 18666241)

Illumina Laboratory Services, Illumina
Classification: Uncertain significance for Arginase deficiency. Last evaluated: 2017-04-27. Review status: criteria provided, single submitter. Criteria: ICSL Variant Classification Criteria 13 December 2019. Collection method: clinical testing. Allele origin: germline.
Comment: This variant was observed as part of a predisposition screen in an ostensibly healthy population. A literature search was performed for the gene, cDNA change, and amino acid change (where applicable). Publications were found based on this search. However, the evidence from the literature, in combination with allele frequency data from public databases where available, was not sufficient to rule this variant in or out of causing disease. Therefore, this variant is classified as a variant of unknown significance.

Dr. Peter K. Rogan Lab, Western University
No classification provided (evidence only). Condition: Acute myeloid leukemia. Review status: no classification provided. Collection method: in vitro. Allele origin: not applicable. Functional consequence: retained intron. Not counted in ClinVar's aggregate classification.

Dr. Peter K. Rogan Lab, Western University
No classification provided (evidence only). Condition: Thyroid cancer, nonmedullary, 1. Review status: no classification provided. Collection method: in vitro. Allele origin: not applicable. Functional consequence: retained intron. Not counted in ClinVar's aggregate classification.

Dr. Peter K. Rogan Lab, Western University
No classification provided (evidence only). Condition: Gastric cancer. Review status: no classification provided. Collection method: in vitro. Allele origin: not applicable. Functional consequence: retained intron. Not counted in ClinVar's aggregate classification.

Literature cited by the submitters: PubMed 18666241 (cited by Mayo Clinic Laboratories, Mayo Clinic and Illumina Laboratory Services, Illumina).